The following is an entry in ClinVar:

NM_000393.5(COL5A2):c.2462G>A (p.Arg821Gln)

Gene: COL5A2 (collagen type V alpha 2 chain; minus strand). Cytogenetic location: 2q32.2.
Variant type: single nucleotide variant.
Coding change: c.2462G>A on transcript NM_000393.5 (MANE Select); coding-DNA position 2462, G replaced by A.
Protein change: p.Arg821Gln; replaces arginine 821 with glutamine.
Molecular consequence: missense variant.
Genome position (GRCh38, 1-based): chr2:189,053,932, C>T on the plus strand (G>A on the coding strand, the complement: COL5A2 is on the minus strand). VCF-style: chr2-189053932-C-T. GRCh37 (hg19) VCF-style: chr2-189918658-C-T.
Other names: short protein forms R821Q.
Identifiers: ClinVar variation 3004550 (VCV003004550.4), dbSNP rs1269087368, ClinGen allele CA349872210.

ClinVar aggregate classification (germline): Uncertain significance. Review status: criteria provided, multiple submitters, no conflicts (2 of 4 stars). 2 submissions from 2 submitters: Uncertain significance (2). Last evaluated 2025-11-05.

Conditions:
Ehlers-Danlos syndrome, classic type, 1 (EDSCL1). Also called: EDS I; EHLERS-DANLOS SYNDROME, GRAVIS TYPE; EHLERS-DANLOS SYNDROME, SEVERE CLASSIC TYPE; Ehlers-Danlos syndrome, type 1; Ehlers-Danlos Syndrome, Classic Type, COL5A1-Related. Identifiers: MedGen C0268335, MONDO:0019567, OMIM 130000.

Allele frequency attached by ClinVar (database versions not stated): gnomAD exomes below 0.00001; gnomAD 0.00001.
gnomAD v4.1: 7 of 1,613,832 alleles (0.00043%); highest among the groups gnomAD compares: Middle Eastern, 0.016%; no homozygotes.

Submissions (2):

Women's Health and Genetics/Laboratory Corporation of America, LabCorp
Classification: Uncertain significance. Last evaluated: 2025-11-05. Review status: criteria provided, single submitter. Criteria: LabCorp Variant Classification Summary - May 2015. Collection method: clinical testing. Allele origin: germline.

Labcorp Genetics (formerly Invitae), Labcorp
Classification: Uncertain significance for Ehlers-Danlos syndrome, classic type, 1. Last evaluated: 2024-08-12. Review status: criteria provided, single submitter. Criteria: Invitae Variant Classification Sherloc (09022015). Collection method: clinical testing. Allele origin: germline.
Comment: This sequence change replaces arginine, which is basic and polar, with glutamine, which is neutral and polar, at codon 821 of the COL5A2 protein (p.Arg821Gln). This variant is not present in population databases (gnomAD no frequency). This variant has not been reported in the literature in individuals affected with COL5A2-related conditions. Advanced modeling of protein sequence and biophysical properties (such as structural, functional, and spatial information, amino acid conservation, physicochemical variation, residue mobility, and thermodynamic stability) performed at Invitae indicates that this missense variant is not expected to disrupt COL5A2 protein function with a negative predictive value of 80%. In summary, the available evidence is currently insufficient to determine the role of this variant in disease. Therefore, it has been classified as a Variant of Uncertain Significance.